The following is an entry in ClinVar:

GRCh38/hg38 5q13.2(chr5:70436365-71090773)x1

Genes: GTF2H2 (general transcription factor IIH subunit 2; minus strand), NAIP (NLR family apoptosis inhibitory protein), SERF1A (small EDRK-rich factor 1A), SMN-AS1 (survival motor neuron- antisense 1), SMN1 (survival of motor neuron 1, telomeric) and 2 more. Cytogenetic location: 5q13.2.
Variant type: copy number loss.
Change: copy number 1 (one copy instead of two) of chr5:70,436,365-71,090,773 (654.4 kb, GRCh38 coordinates, 1-based), cytogenetic band 5q13.2.
Identifiers: ClinVar variation 57277 (VCV000057277.1).

ClinVar aggregate classification (germline): Benign (1 of 4 stars; one submission).

Submission:

ISCA site 4
Classification: Benign. Last evaluated: 2011-08-12. Review status: criteria provided, single submitter. Criteria: Kaminsky et al. (Genet Med. 2011). Collection method: clinical testing. Allele origin: unknown. Affected: yes. Observed: 3 variant alleles. Clinical features observed: Developmental delay AND/OR other significant developmental or morphological phenotypes, Abnormality of the skeletal system (HP:0000924), Hearing impairment (HP:0000365), Global developmental delay (HP:0001263), Short stature (HP:0004322), Abnormality of the nervous system (HP:0000707).
Comment: Copy number variation identified through the course of routine clinical cytogenomic testing in postnatal populations. Clinical assertions have been curated as described in Kaminsky et al. 2011.